The following is an entry in ClinVar:

NM_001330691.3(CEP78):c.128T>G (p.Leu43Arg)

Gene: CEP78 (centrosomal protein 78; plus strand). Cytogenetic location: 9q21.2.
Variant type: single nucleotide variant.
Coding change: c.128T>G on transcript NM_001330691.3 (MANE Select); coding-DNA position 128, T replaced by G.
Protein change: p.Leu43Arg; replaces leucine 43 with arginine.
Molecular consequence: missense variant.
Genome position (GRCh38, 1-based): chr9:78,236,478, T>G. VCF-style: chr9-78236478-T-G. GRCh37 (hg19) VCF-style: chr9-80851394-T-G.
Other names: c.128T>G, p.Leu43Arg (NM_001098802.3, NM_001330693.3, NM_001330694.2 and 4 more transcripts); short protein forms L43R.
Identifiers: ClinVar variation 1970512 (VCV001970512.5), dbSNP rs1587542147, ClinGen allele CA373999313.
Genomic context (GRCh38, chr9:78,236,478, plus strand): 5'-GCGCGCTGCAGAACTCGGTGCCGCTGCCCGCCGTGCGCGCCTGTCTCCGGGAGGGCGTGC[T>G]GGATTTCAACGCCGACCGCCTCCGCGGGGTGGACTGGGCGCCTCTGCTGAGCACCCTCAA-3'
Protein context (NP_001317620.1, residues 33-53): AVRACLREGV[Leu43Arg]DFNADRLRGV

ClinVar aggregate classification (germline): Uncertain significance (1 of 4 stars; one submission).

gnomAD v4.1: 1 of 1,607,508 alleles (0.000062%); highest among the groups gnomAD compares: Non-Finnish European, 0.000085%; no homozygotes.

Submission:

Labcorp Genetics (formerly Invitae), Labcorp
Classification: Uncertain significance. Last evaluated: 2022-07-14. Review status: criteria provided, single submitter. Criteria: Invitae Variant Classification Sherloc (09022015). Collection method: clinical testing. Allele origin: germline.
Comment: In summary, the available evidence is currently insufficient to determine the role of this variant in disease. Therefore, it has been classified as a Variant of Uncertain Significance. Algorithms developed to predict the effect of missense changes on protein structure and function are either unavailable or do not agree on the potential impact of this missense change (SIFT: "Deleterious"; PolyPhen-2: "Probably Damaging"; Align-GVGD: "Class C0"). This variant has not been reported in the literature in individuals affected with CEP78-related conditions. This variant is not present in population databases (gnomAD no frequency). This sequence change replaces leucine, which is neutral and non-polar, with arginine, which is basic and polar, at codon 43 of the CEP78 protein (p.Leu43Arg).